The following is an entry in ClinVar:

NM_173598.6(KSR2):c.143C>G (p.Ser48Cys)

Gene: KSR2 (kinase suppressor of ras 2; minus strand). Cytogenetic location: 12q24.23.
Variant type: single nucleotide variant.
Coding change: c.143C>G on transcript NM_173598.6 (MANE Select); coding-DNA position 143, C replaced by G.
Protein change: p.Ser48Cys; replaces serine 48 with cysteine.
Molecular consequence: missense variant.
Genome position (GRCh38, 1-based): chr12:117,968,113, G>C on the plus strand (C>G on the coding strand, the complement: KSR2 is on the minus strand). VCF-style: chr12-117968113-G-C. GRCh37 (hg19) VCF-style: chr12-118405918-G-C.
Other names: short protein forms S48C.
Identifiers: ClinVar variation 4987948 (VCV004987948.1).

ClinVar aggregate classification (germline): Uncertain significance (1 of 4 stars; one submission).

Conditions:
KSR2-related disorder. Also called: KSR2-related condition.

gnomAD v4.1: 1 of 1,609,458 alleles (0.000062%); highest among the groups gnomAD compares: Non-Finnish European, 0.000085%; no homozygotes.

Submission:

PreventionGenetics, part of Exact Sciences
Classification: Uncertain significance for KSR2-related condition. Last evaluated: 2026-08-29. Review status: criteria provided, single submitter. Criteria: ACMG Guidelines, 2015. Collection method: clinical testing. Allele origin: germline.
Comment: The KSR2 c.56C>G variant is predicted to result in the amino acid substitution p.Ser19Cys. To our knowledge, this variant has not been reported in the literature. This variant is reported in 0.00089% of alleles in individuals of European (Non-Finnish) descent in gnomAD. At this time, the clinical significance of this variant is uncertain due to the absence of conclusive functional and genetic evidence.